The following is an entry in ClinVar:

ClinVar aggregate classification (germline): Pathogenic (1 of 4 stars; one submission).

Allele frequency attached by ClinVar (database versions not stated): TOPMed below 0.00001.

Submission:

Labcorp Genetics (formerly Invitae), Labcorp
Classification: Pathogenic. Last evaluated: 2023-04-19. Review status: criteria provided, single submitter. Criteria: Invitae Variant Classification Sherloc (09022015). Collection method: clinical testing. Allele origin: germline.
Comment: This variant has not been reported in the literature in individuals affected with TANGO2-related conditions. This sequence change creates a premature translational stop signal (p.Trp164*) in the TANGO2 gene. It is expected to result in an absent or disrupted protein product. Loss-of-function variants in TANGO2 are known to be pathogenic (PMID: 26805781, 26805782). This variant is not present in population databases (gnomAD no frequency). For these reasons, this variant has been classified as Pathogenic.

Literature cited by the submitters: PubMed 26805781; PubMed 26805782.

NM_152906.7(TANGO2):c.492G>A (p.Trp164Ter)

Gene: TANGO2 (transport and golgi organization 2 homolog; plus strand). Cytogenetic location: 22q11.21.
Variant type: single nucleotide variant.
Coding change: c.492G>A on transcript NM_152906.7 (MANE Select); coding-DNA position 492, G replaced by A.
Protein change: p.Trp164Ter; replaces tryptophan 164 with a stop codon.
Molecular consequence: nonsense. On other transcripts: non-coding transcript variant (3), intron variant (4).
Genome position (GRCh38, 1-based): chr22:20,061,570, G>A. VCF-style: chr22-20061570-G-A. GRCh37 (hg19) VCF-style: chr22-20049093-G-A.
Other names: c.492G>A, p.Trp164Ter (NM_001283106.3, NM_001283116.3, NM_001283148.3 and 2 more transcripts); c.615G>A, p.Trp205Ter (NM_001283129.3, NM_001322141.2, NM_001322143.2 and 1 more transcripts); c.306G>A, p.Trp102Ter (NM_001283179.3, NM_001283186.3, NM_001322163.2 and 3 more transcripts); c.198G>A, p.Trp66Ter (NM_001283235.3, NM_001322150.2, NM_001322153.2 and 6 more transcripts); c.429G>A, p.Trp143Ter (NM_001322145.2, NM_001322147.2); c.390G>A, p.Trp130Ter (NM_001322146.2, NM_001322148.2, NM_001322160.2); c.381-1768G>A (NM_001283199.3); c.575-2972G>A (NM_001283215.3); and 2 more; short protein forms W130*, W143*, W66*, W205*, W102*, W164*.
Identifiers: ClinVar variation 3000647 (VCV003000647.3), dbSNP rs1314846403, ClinGen allele CA410699143.